The following is an entry in ClinVar:

ClinVar aggregate classification (germline): Uncertain significance (1 of 4 stars; one submission).

Submission:

GeneDx
Classification: Uncertain significance. Last evaluated: 2026-03-31. Review status: criteria provided, single submitter. Criteria: GeneDx Variant Classification Process June 2021. Collection method: clinical testing. Allele origin: germline.
Comment: Not observed at significant frequency in large population cohorts (gnomAD); In silico analysis supports a deleterious effect on splicing; Has not been previously published as pathogenic or benign to our knowledge

NM_170675.5(MEIS2):c.1036+6T>G

Gene: MEIS2 (Meis homeobox 2; minus strand). Cytogenetic location: 15q14.
Variant type: single nucleotide variant.
Coding change: c.1036+6T>G on transcript NM_170675.5 (MANE Select); 6 bases into the intron after coding-DNA position 1036, T replaced by G.
Molecular consequence: intron variant.
Genome position (GRCh38, 1-based): chr15:36,896,622, A>C on the plus strand (T>G on the coding strand, the complement: MEIS2 is on the minus strand). VCF-style: chr15-36896622-A-C. GRCh37 (hg19) VCF-style: chr15-37188823-A-C.
Other names: c.997+6T>G (NM_002399.4, NM_172315.3); c.1036+6T>G (NM_001220482.2, NM_170676.5, NM_170674.5 and 1 more transcripts); c.772+6T>G (NM_172316.3).
Identifiers: ClinVar variation 5017964 (VCV005017964.1).